The following is an entry in ClinVar:

NM_002432.3(MNDA):c.586G>T (p.Ala196Ser)

Gene: MNDA (myeloid cell nuclear differentiation antigen; plus strand). Cytogenetic location: 1q23.1.
Variant type: single nucleotide variant.
Coding change: c.586G>T on transcript NM_002432.3 (MANE Select); coding-DNA position 586, G replaced by T.
Protein change: p.Ala196Ser; replaces alanine 196 with serine.
Molecular consequence: missense variant.
Genome position (GRCh38, 1-based): chr1:158,845,602, G>T. VCF-style: chr1-158845602-G-T. GRCh37 (hg19) VCF-style: chr1-158815392-G-T.
Other names: short protein forms A196S.
Identifiers: ClinVar variation 1750185 (VCV001750185.3), dbSNP rs1165671873, ClinGen allele CA343040671.

ClinVar aggregate classification (germline): Uncertain significance (1 of 4 stars; one submission).

Allele frequency attached by ClinVar (database versions not stated): gnomAD exomes 0.00001.
gnomAD v4.1: 4 of 1,611,728 alleles (0.00025%); no homozygotes.

Submission:

Ambry Genetics
Classification: Uncertain significance. Last evaluated: 2024-05-19. Review status: criteria provided, single submitter. Criteria: Ambry Variant Classification Scheme 2023. Collection method: clinical testing. Allele origin: germline.
Comment: The p.A196S variant (also known as c.586G>T), located in coding exon 4 of the MNDA gene, results from a G to T substitution at nucleotide position 586. The alanine at codon 196 is replaced by serine, an amino acid with similar properties. This amino acid position is conserved. In addition, this alteration is predicted to be tolerated by in silico analysis. Since supporting evidence is limited at this time, the clinical significance of this alteration remains unclear.